The following is an entry in ClinVar:

NM_001195263.2(PDZD7):c.3073A>G (p.Lys1025Glu)

Gene: PDZD7 (PDZ domain containing 7; minus strand). Cytogenetic location: 10q24.31.
Variant type: single nucleotide variant.
Coding change: c.3073A>G on transcript NM_001195263.2 (MANE Select); coding-DNA position 3073, A replaced by G.
Protein change: p.Lys1025Glu; replaces lysine 1025 with glutamic acid.
Molecular consequence: missense variant.
Genome position (GRCh38, 1-based): chr10:101,008,496, T>C on the plus strand (A>G on the coding strand, the complement: PDZD7 is on the minus strand). VCF-style: chr10-101008496-T-C. GRCh37 (hg19) VCF-style: chr10-102768253-T-C.
Other names: short protein forms K1025E.
Identifiers: ClinVar variation 1495806 (VCV001495806.6), dbSNP rs772312008, ClinGen allele CA212977149.

ClinVar aggregate classification (germline): Uncertain significance. Review status: criteria provided, multiple submitters, no conflicts (2 of 4 stars). 2 submissions from 2 submitters: Uncertain significance (2). Last evaluated 2022-01-14.

Allele frequency attached by ClinVar (database versions not stated): gnomAD exomes 0.00001.

Submissions (2):

Labcorp Genetics (formerly Invitae), Labcorp
Classification: Uncertain significance. Last evaluated: 2022-01-14. Review status: criteria provided, single submitter. Criteria: Invitae Variant Classification Sherloc (09022015). Collection method: clinical testing. Allele origin: germline.
Comment: This sequence change replaces lysine, which is basic and polar, with glutamic acid, which is acidic and polar, at codon 1025 of the PDZD7 protein (p.Lys1025Glu). This variant is not present in population databases (gnomAD no frequency). This variant has not been reported in the literature in individuals affected with PDZD7-related conditions. Algorithms developed to predict the effect of missense changes on protein structure and function are either unavailable or do not agree on the potential impact of this missense change (SIFT: "Deleterious"; PolyPhen-2: "Not Available"; Align-GVGD: "Class C0"). In summary, the available evidence is currently insufficient to determine the role of this variant in disease. Therefore, it has been classified as a Variant of Uncertain Significance.

Breakthrough Genomics
Classification: Uncertain significance. Review status: criteria provided, single submitter. Criteria: ACMG Guidelines, 2015. Collection method: not provided. Allele origin: germline. Inheritance: Autosomal recessive inheritance. Affected: yes.